The following is an entry in ClinVar:

NM_006516.4(SLC2A1):c.1001G>A (p.Arg334Gln)

Gene: SLC2A1 (solute carrier family 2 member 1; minus strand). Cytogenetic location: 1p34.2.
Variant type: single nucleotide variant.
Coding change: c.1001G>A on transcript NM_006516.4 (MANE Select); coding-DNA position 1001, G replaced by A.
Protein change: p.Arg334Gln; replaces arginine 334 with glutamine.
Molecular consequence: missense variant.
Genome position (GRCh38, 1-based): chr1:42,929,005, C>T on the plus strand (G>A on the coding strand, the complement: SLC2A1 is on the minus strand). VCF-style: chr1-42929005-C-T. GRCh37 (hg19) VCF-style: chr1-43394676-C-T.
Other names: short protein forms R334Q.
Identifiers: ClinVar variation 520805 (VCV000520805.35), dbSNP rs892715050, ClinGen allele CA21250202.

ClinVar aggregate classification (germline): Uncertain significance. Review status: criteria provided, multiple submitters, no conflicts (2 of 4 stars). 9 submissions from 5 submitters: Uncertain significance (9). Last evaluated 2025-12-16.

Conditions:
Dystonia 9 (DYT9). Also called: CHOREOATHETOSIS, KINESIGENIC, WITH EPISODIC ATAXIA AND SPASTICITY. Identifiers: Orphanet 53583, MedGen C1832855, MONDO:0010983, OMIM 601042.
Hereditary cryohydrocytosis with reduced stomatin. Also called: Stomatin-deficient cryohydrocytosis with neurologic defects; GLUT1 DEFICIENCY SYNDROME WITH PSEUDOHYPERKALEMIA AND HEMOLYSIS. Identifiers: Orphanet 168577, MedGen C1837206, MONDO:0012143, OMIM 608885.
GLUT1 deficiency syndrome 1, autosomal recessive. Identifiers: MedGen C3149117.
Childhood onset GLUT1 deficiency syndrome 2. Also called: Paroxysmal exercise-induced dystonia; GLUT1 deficiency syndrome 2; PxMD-SLC2A1; Exertion-induced paroxysmal dyskinesia; PAROXYSMAL EXERCISE-INDUCED DYSKINESIA WITH OR WITHOUT EPILEPSY AND/OR HEMOLYTIC ANEMIA; PAROXYSMAL EXERTION-INDUCED DYSTONIA WITH OR WITHOUT EPILEPSY AND/OR HEMOLYTIC ANEMIA. Identifiers: Orphanet 98811, MedGen C1842534, MONDO:0012805, OMIM 612126.
Encephalopathy due to GLUT1 deficiency. Also called: De Vivo disease; GLUT1 deficiency syndrome 1; GLUT1 deficiency syndrome 1, infantile onset, severe; Classic Glucose Transporter Type 1 Deficiency Syndrome; GLUCOSE TRANSPORT DEFECT, BLOOD-BRAIN BARRIER; Glucose transporter protein syndrome. Identifiers: Orphanet 71277, MedGen C4551966, MONDO:0011724, OMIM 606777.
Inborn genetic diseases. Identifiers: MedGen C0950123, MeSH D030342.
Epilepsy, idiopathic generalized, susceptibility to, 12 (EIG12). Identifiers: MedGen C3553859, MONDO:0013919, OMIM 614847.

Allele frequency attached by ClinVar (database versions not stated): gnomAD exomes 0.00001; gnomAD 0.00002; TOPMed 0.00005.
gnomAD v4.1: 18 of 1,613,488 alleles (0.0011%); highest among the groups gnomAD compares: Admixed American, 0.0067%; no homozygotes.

Submissions (9):

Labcorp Genetics (formerly Invitae), Labcorp
Classification: Uncertain significance for GLUT1 deficiency syndrome 1, autosomal recessive. Last evaluated: 2025-12-16. Review status: criteria provided, single submitter. Criteria: Invitae Variant Classification Sherloc (09022015). Collection method: clinical testing. Allele origin: germline.
Comment: This sequence change replaces arginine, which is basic and polar, with glutamine, which is neutral and polar, at codon 334 of the SLC2A1 protein (p.Arg334Gln). This variant is not present in population databases (gnomAD no frequency). This missense change has been observed in individual(s) with clinical features of SLC2A1-related conditions (internal data). ClinVar contains an entry for this variant (Variation ID: 520805). Invitae Evidence Modeling incorporating data from in vitro experimental studies (internal data) indicates that this missense variant is not expected to disrupt SLC2A1 function with a negative predictive value of 95%. In summary, the available evidence is currently insufficient to determine the role of this variant in disease. Therefore, it has been classified as a Variant of Uncertain Significance.

CeGaT Center for Human Genetics Tuebingen
Classification: Uncertain significance. Last evaluated: 2024-11-01. Review status: criteria provided, single submitter. Criteria: CeGaT Center For Human Genetics Tuebingen Variant Classification Criteria Version 2. Collection method: clinical testing. Allele origin: germline. Affected: yes. Observed: 1 variant allele.

Ambry Genetics
Classification: Uncertain significance for Inborn genetic diseases. Last evaluated: 2024-10-25. Review status: criteria provided, single submitter. Criteria: Ambry Variant Classification Scheme 2023. Collection method: clinical testing. Allele origin: germline.
Comment: The alteration results in an amino acid change: The c.1001G>A (p.R334Q) alteration is located in exon 8 (coding exon 8) of the SLC2A1 gene. This alteration results from a G to A substitution at nucleotide position 1001, causing the arginine (R) at amino acid position 334 to be replaced by a glutamine (Q). The alteration is not observed in population databases: Based on data from the Genome Aggregation Database (gnomAD), the SLC2A1 c.1001G>A alteration was not observed, with coverage at this position. A nearby alteration has been observed in affected individuals: Alaterations in an adjacent amino acid (p.R333), have been described in multiple patients with various phenotypes caused by GLUT1 deficiency. Mullen et al. (2011) reported two patients heterozygous for c.997C>T (p.R333W) myoclonic astatic epilepsy, paroxysmal exercise induced dyskinesia, dysarthric speech, intellectual disability, and low CSF glucose. This alteration was reported in two Japanese individuals; The altered amino acid is conserved throughout evolution: The p.R334 amino acid is conserved in available vertebrate species. The alteration is predicted inconclusive by in silico modeling: The in silico prediction for the p.R334Q alteration is inconclusive. Based on insufficient or conflicting evidence, the clinical significance of this alteration remains unclear.

Mayo Clinic Laboratories, Mayo Clinic
Classification: Uncertain significance. Last evaluated: 2024-10-04. Review status: criteria provided, single submitter. Criteria: ACMG Guidelines, 2015. Collection method: clinical testing. Allele origin: germline. Observed: 1 variant allele.
Comment: BS2, BS4, PP2, PP3

Genome-Nilou Lab
Classification: Uncertain significance for Epilepsy, idiopathic generalized, susceptibility to, 12. Last evaluated: 2023-04-11. Review status: criteria provided, single submitter. Criteria: ACMG Guidelines, 2015. Collection method: clinical testing. Allele origin: germline. Affected: no.

Genome-Nilou Lab
Classification: Uncertain significance for Dystonia 9. Last evaluated: 2023-04-11. Review status: criteria provided, single submitter. Criteria: ACMG Guidelines, 2015. Collection method: clinical testing. Allele origin: germline. Affected: no.

Genome-Nilou Lab
Classification: Uncertain significance for Encephalopathy due to GLUT1 deficiency. Last evaluated: 2023-04-11. Review status: criteria provided, single submitter. Criteria: ACMG Guidelines, 2015. Collection method: clinical testing. Allele origin: germline. Affected: no.

Genome-Nilou Lab
Classification: Uncertain significance for Childhood onset GLUT1 deficiency syndrome 2. Last evaluated: 2023-04-11. Review status: criteria provided, single submitter. Criteria: ACMG Guidelines, 2015. Collection method: clinical testing. Allele origin: germline. Affected: no.

Genome-Nilou Lab
Classification: Uncertain significance for Hereditary cryohydrocytosis with reduced stomatin. Last evaluated: 2023-04-11. Review status: criteria provided, single submitter. Criteria: ACMG Guidelines, 2015. Collection method: clinical testing. Allele origin: germline. Affected: no.